The following is an entry in ClinVar:

NM_000199.5(SGSH):c.164G>A (p.Arg55His)

Gene: SGSH (N-sulfoglucosamine sulfohydrolase; minus strand). Cytogenetic location: 17q25.3.
Variant type: single nucleotide variant.
Coding change: c.164G>A on transcript NM_000199.5 (MANE Select); coding-DNA position 164, G replaced by A.
Protein change: p.Arg55His; replaces arginine 55 with histidine.
Molecular consequence: missense variant. On other transcripts: non-coding transcript variant (1).
Genome position (GRCh38, 1-based): chr17:80,217,117, C>T on the plus strand (G>A on the coding strand, the complement: SGSH is on the minus strand). VCF-style: chr17-80217117-C-T. GRCh37 (hg19) VCF-style: chr17-78190916-C-T.
Other names: c.164G>A (NM_000199.3); c.164G>A, p.Arg55His (NM_001352921.3, NM_001352922.2); short protein forms R55H.
Identifiers: ClinVar variation 1920632 (VCV001920632.4), dbSNP rs558991918, ClinGen allele CA8818151.

ClinVar aggregate classification (germline): Uncertain significance. Review status: criteria provided, multiple submitters, no conflicts (2 of 4 stars). 2 submissions from 2 submitters: Uncertain significance (2). Last evaluated 2023-04-20.

Conditions:
Inborn genetic diseases. Identifiers: MedGen C0950123, MeSH D030342.
Mucopolysaccharidosis, MPS-III-A (MPS3A). Also called: HEPARAN SULFATE SULFATASE DEFICIENCY; SANFILIPPO SYNDROME A; SULFAMIDASE DEFICIENCY; MPS III A; Mucopolysaccharidosis type IIIA (Sanfilippo A); Mucopolysaccharidosis, type IIIA. Identifiers: Orphanet 581, Orphanet 79269, MedGen C0086647, MONDO:0009655, OMIM 252900.

Allele frequency attached by ClinVar (database versions not stated): 1000 Genomes Project 0.00020; gnomAD 0.00001; ExAC 0.00002; 1000 Genomes Project 30x 0.00016.

Submissions (2):

Ambry Genetics
Classification: Uncertain significance for Inborn genetic diseases. Last evaluated: 2023-04-20. Review status: criteria provided, single submitter. Criteria: Ambry Variant Classification Scheme 2023. Collection method: clinical testing. Allele origin: germline.

Labcorp Genetics (formerly Invitae), Labcorp
Classification: Uncertain significance for Mucopolysaccharidosis, MPS-III-A. Last evaluated: 2022-08-17. Review status: criteria provided, single submitter. Criteria: Invitae Variant Classification Sherloc (09022015). Collection method: clinical testing. Allele origin: germline.
Comment: This sequence change replaces arginine, which is basic and polar, with histidine, which is basic and polar, at codon 55 of the SGSH protein (p.Arg55His). The frequency data for this variant in the population databases is considered unreliable, as metrics indicate poor data quality at this position in the gnomAD database. This variant has not been reported in the literature in individuals affected with SGSH-related conditions. Algorithms developed to predict the effect of missense changes on protein structure and function output the following: SIFT: "Deleterious"; PolyPhen-2: "Benign"; Align-GVGD: "Class C0". The histidine amino acid residue is found in multiple mammalian species, which suggests that this missense change does not adversely affect protein function. In summary, the available evidence is currently insufficient to determine the role of this variant in disease. Therefore, it has been classified as a Variant of Uncertain Significance.